The following is an entry in ClinVar:

NM_016333.4(SRRM2):c.5168G>A (p.Arg1723Lys)

Gene: SRRM2 (serine/arginine repetitive matrix 2; plus strand). Cytogenetic location: 16p13.3.
Variant type: single nucleotide variant.
Coding change: c.5168G>A on transcript NM_016333.4 (MANE Select); coding-DNA position 5168, G replaced by A.
Protein change: p.Arg1723Lys; replaces arginine 1723 with lysine.
Molecular consequence: missense variant.
Genome position (GRCh38, 1-based): chr16:2,765,696, G>A. VCF-style: chr16-2765696-G-A. GRCh37 (hg19) VCF-style: chr16-2815697-G-A.
Other names: short protein forms R1723K.
Identifiers: ClinVar variation 4175168 (VCV004175168.2).

ClinVar aggregate classification (germline): Uncertain significance. Review status: criteria provided, multiple submitters, no conflicts (2 of 4 stars). 2 submissions from 2 submitters: Uncertain significance (2). Last evaluated 2026-04-07.

Conditions:
Inborn genetic diseases. Identifiers: MedGen C0950123, MeSH D030342.

gnomAD v4.1: 1 of 1,614,088 alleles (0.000062%); highest among the groups gnomAD compares: South Asian, 0.0011%; no homozygotes.

Submissions (2):

Women's Health and Genetics/Laboratory Corporation of America, LabCorp
Classification: Uncertain significance. Last evaluated: 2026-04-07. Review status: criteria provided, single submitter. Criteria: LabCorp Variant Classification Summary - May 2015. Collection method: clinical testing. Allele origin: germline.
Comment: Variant summary: SRRM2 c.5168G>A (p.Arg1723Lys) results in a conservative amino acid change in the encoded protein sequence. Algorithms developed to predict the effect of missense changes on protein structure and function all suggest that this variant is likely to be tolerated. The variant was absent in 251288 control chromosomes. The available data on variant occurrences in the general population are insufficient to allow any conclusion about variant significance. To our knowledge, no occurrence of c.5168G>A in individuals affected with SRRM2-related conditions and no experimental evidence demonstrating its impact on protein function have been reported. ClinVar contains an entry for this variant (Variation ID: 4175168). Based on the evidence outlined above, the variant was classified as uncertain significance.

Ambry Genetics
Classification: Uncertain significance for Inborn genetic diseases. Last evaluated: 2025-07-15. Review status: criteria provided, single submitter. Criteria: Ambry Variant Classification Scheme 2023. Collection method: clinical testing. Allele origin: germline.